The following is an entry in ClinVar:

NM_000256.3(MYBPC3):c.2143AAG[1] (p.Lys716del)

Gene: MYBPC3 (myosin binding protein C3; minus strand). Cytogenetic location: 11p11.2.
Variant type: Microsatellite.
Coding change: c.2143AAG[1] on transcript NM_000256.3 (MANE Select); one copy of the 3-base unit AAG starting at c.2143; the reference has two copies in a row; one copy, 3 bases deleted.
Protein change: p.Lys716del; deletes lysine 716.
Molecular consequence: inframe deletion.
Genome position (GRCh38, 1-based): chr11:47,339,324-47,339,326, CTT deleted on the plus strand (AAG on the coding strand, the reverse complement: MYBPC3 is on the minus strand); deleting any 3 consecutive bases within chr11:47,339,324-47,339,329 gives the same sequence; the position shown is the placement nearest the transcript's 3' end. VCF-style (leftmost placement, unchanged base first): chr11-47339323-CCTT-C. GRCh37 (hg19) VCF-style: chr11-47360874-CCTT-C.
Other names: short protein forms K716del.
Identifiers: ClinVar variation 1479766 (VCV001479766.6), dbSNP rs2142857249, ClinGen allele CA2580615678.

ClinVar aggregate classification (germline): Uncertain significance (1 of 4 stars; one submission).

Conditions:
Hypertrophic cardiomyopathy. Also called: HYPERTROPHIC MYOCARDIOPATHY. Identifiers: Orphanet 217569, MedGen C0007194, MeSH D002312, MONDO:0005045, HP:0001639.

Submission:

Labcorp Genetics (formerly Invitae), Labcorp
Classification: Uncertain significance for Hypertrophic cardiomyopathy. Last evaluated: 2023-04-22. Review status: criteria provided, single submitter. Criteria: Invitae Variant Classification Sherloc (09022015). Collection method: clinical testing. Allele origin: germline.
Comment: In summary, the available evidence is currently insufficient to determine the role of this variant in disease. Therefore, it has been classified as a Variant of Uncertain Significance. Algorithms developed to predict the effect of sequence changes on RNA splicing suggest that this variant may disrupt the consensus splice site. Experimental studies and prediction algorithms are not available or were not evaluated, and the functional significance of this variant is currently unknown. This variant has not been reported in the literature in individuals affected with MYBPC3-related conditions. This variant is not present in population databases (gnomAD no frequency). This variant, c.2146_2148del, results in the deletion of 1 amino acid(s) of the MYBPC3 protein (p.Lys716del), but otherwise preserves the integrity of the reading frame.